The following is an entry in ClinVar:

ClinVar aggregate classification (germline): Benign. Review status: criteria provided, multiple submitters, no conflicts (2 of 4 stars). 3 submissions from 3 submitters: Benign (2). 1 of the submissions does not count toward it. Last evaluated 2018-07-08.

Allele frequency attached by ClinVar (database versions not stated): gnomAD exomes 0.14620; ExAC 0.14709; 1000 Genomes Project 0.15196; TOPMed 0.11826; 1000 Genomes Project 30x 0.14881; ESP Exome Variant Server 0.10695; gnomAD 0.11767 and 0.12246.
gnomAD v4.1: 213,269 of 1,610,248 alleles (13%); highest among the groups gnomAD compares: East Asian, 22%; 15,246 homozygotes.

Submissions (3):

GeneDx
Classification: Benign. Last evaluated: 2018-07-08. Review status: criteria provided, single submitter. Criteria: GeneDx Variant Classification Process June 2021. Collection method: clinical testing. Allele origin: germline. Affected: yes.

Breakthrough Genomics
Classification: Benign. Review status: criteria provided, single submitter. Criteria: ACMG Guidelines, 2015. Collection method: not provided. Allele origin: germline. Inheritance: Autosomal recessive inheritance. Affected: yes.

Genetic Services Laboratory, University of Chicago
Classification: Likely benign. Review status: no assertion criteria provided. Collection method: clinical testing. Allele origin: germline. Inheritance: Autosomal recessive inheritance. Not counted in ClinVar's aggregate classification.
Comment: Likely benign based on allele frequency in 1000 Genomes Project or ESP global frequency and its presence in a patient with a rare or unrelated disease phenotype. NOT Sanger confirmed

NM_006031.6(PCNT):c.3465-40C>T

Gene: PCNT (pericentrin; plus strand). Cytogenetic location: 21q22.3.
Variant type: single nucleotide variant.
Coding change: c.3465-40C>T on transcript NM_006031.6 (MANE Select); 40 bases into the intron before coding-DNA position 3465, C replaced by T.
Molecular consequence: intron variant.
Genome position (GRCh38, 1-based): chr21:46,388,702, C>T. VCF-style: chr21-46388702-C-T. GRCh37 (hg19) VCF-style: chr21-47808617-C-T.
Other names: c.3111-40C>T (NM_001315529.2).
Identifiers: ClinVar variation 159588 (VCV000159588.9), dbSNP rs7279052, ClinGen allele CA172993.